The following is an entry in ClinVar:

ClinVar aggregate classification (germline): Uncertain significance (1 of 4 stars; one submission).

Submission:

Labcorp Genetics (formerly Invitae), Labcorp
Classification: Uncertain significance. Last evaluated: 2022-03-12. Review status: criteria provided, single submitter. Criteria: Invitae Variant Classification Sherloc (09022015). Collection method: clinical testing. Allele origin: germline.
Comment: This variant has not been reported in the literature in individuals affected with MTOR-related conditions. This variant is not present in population databases (gnomAD no frequency). This sequence change replaces histidine, which is basic and polar, with arginine, which is basic and polar, at codon 1077 of the MTOR protein (p.His1077Arg). Algorithms developed to predict the effect of missense changes on protein structure and function (SIFT, PolyPhen-2, Align-GVGD) all suggest that this variant is likely to be tolerated. In summary, the available evidence is currently insufficient to determine the role of this variant in disease. Therefore, it has been classified as a Variant of Uncertain Significance.

NM_004958.4(MTOR):c.3230A>G (p.His1077Arg)

Gene: MTOR (mechanistic target of rapamycin kinase; minus strand). Cytogenetic location: 1p36.22.
Variant type: single nucleotide variant.
Coding change: c.3230A>G on transcript NM_004958.4 (MANE Select); coding-DNA position 3230, A replaced by G.
Protein change: p.His1077Arg; replaces histidine 1077 with arginine.
Molecular consequence: missense variant.
Genome position (GRCh38, 1-based): chr1:11,213,454, T>C on the plus strand (A>G on the coding strand, the complement: MTOR is on the minus strand). VCF-style: chr1-11213454-T-C. GRCh37 (hg19) VCF-style: chr1-11273511-T-C.
Other names: c.3230A>G, p.His1077Arg (NM_001386500.1); c.1982A>G, p.His661Arg (NM_001386501.1); short protein forms H1077R, H661R.
Identifiers: ClinVar variation 2102979 (VCV002102979.4), dbSNP rs2523119313, ClinGen allele CA338374784.